The following is an entry in ClinVar:

NM_001276270.2(MBD4):c.364del (p.Ser122fs)

Gene: MBD4 (methyl-CpG binding domain 4, DNA glycosylase; minus strand). Cytogenetic location: 3q21.3.
Variant type: Deletion.
Coding change: c.364del on transcript NM_001276270.2 (MANE Select); coding-DNA position 364, one base deleted (A; older notation c.364delA).
Protein change: p.Ser122fs; shifts the reading frame from serine 122.
Molecular consequence: frameshift variant. On other transcripts: intron variant (1).
Genome position (GRCh38, 1-based): chr3:129,437,280, T deleted on the plus strand (A on the coding strand, the reverse complement: MBD4 is on the minus strand); the first of 4 consecutive T bases (chr3:129,437,280-129,437,283); deleting any one gives the same sequence. VCF-style (leftmost placement, unchanged base first): chr3-129437279-CT-C. GRCh37 (hg19) VCF-style: chr3-129156122-CT-C.
Other names: c.364delA (NM_001276270.2); c.364del, p.Ser122fs (NM_001276271.2, NM_001276272.2, NM_003925.3); c.247+528del (NM_001276273.2); short protein forms S122fs.
Identifiers: ClinVar variation 2702363 (VCV002702363.4), dbSNP rs34275677, ClinGen allele CA2697556817.

ClinVar aggregate classification (germline): Pathogenic. Review status: criteria provided, multiple submitters, no conflicts (2 of 4 stars). 2 submissions from 2 submitters: Pathogenic (2). Last evaluated 2025-06-26.

Conditions:
Inborn genetic diseases. Identifiers: MedGen C0950123, MeSH D030342.

Submissions (2):

Ambry Genetics
Classification: Pathogenic for Inborn genetic diseases. Last evaluated: 2025-06-26. Review status: criteria provided, single submitter. Criteria: Ambry Variant Classification Scheme 2023. Collection method: clinical testing. Allele origin: germline.
Comment: The c.364delA pathogenic mutation, located in coding exon 3 of the MBD4 gene, results from a deletion of one nucleotide at nucleotide position 364, causing a translational frameshift with a predicted alternate stop codon (p.S122Vfs*42). This variant is considered to be rare based on population cohorts in the Genome Aggregation Database (gnomAD). This alteration is expected to result in loss of function by premature protein truncation or nonsense-mediated mRNA decay. As such, this alteration is interpreted as a disease-causing mutation.

Labcorp Genetics (formerly Invitae), Labcorp
Classification: Pathogenic. Last evaluated: 2023-12-12. Review status: criteria provided, single submitter. Criteria: Invitae Variant Classification Sherloc (09022015). Collection method: clinical testing. Allele origin: germline.
Comment: This sequence change creates a premature translational stop signal (p.Ser122Valfs*42) in the MBD4 gene. It is expected to result in an absent or disrupted protein product. Loss-of-function variants in MBD4 are known to be pathogenic (PMID: 30049810, 35460607). This variant is not present in population databases (gnomAD no frequency). This variant has not been reported in the literature in individuals affected with MBD4-related conditions. For these reasons, this variant has been classified as Pathogenic.

Literature cited by the submitters: PubMed 30049810 (cited by Labcorp Genetics (formerly Invitae), Labcorp); PubMed 35460607 (cited by Labcorp Genetics (formerly Invitae), Labcorp).